The following is an entry in ClinVar:

NM_199420.4(POLQ):c.2920C>G (p.Gln974Glu)

Gene: POLQ (DNA polymerase theta; minus strand). Cytogenetic location: 3q13.33.
Variant type: single nucleotide variant.
Coding change: c.2920C>G on transcript NM_199420.4 (MANE Select); coding-DNA position 2920, C replaced by G.
Protein change: p.Gln974Glu; replaces glutamine 974 with glutamic acid.
Molecular consequence: missense variant.
Genome position (GRCh38, 1-based): chr3:121,490,011, G>C on the plus strand (C>G on the coding strand, the complement: POLQ is on the minus strand). VCF-style: chr3-121490011-G-C. GRCh37 (hg19) VCF-style: chr3-121208858-G-C.
Other names: short protein forms Q974E.
Identifiers: ClinVar variation 3229904 (VCV003229904.1), dbSNP rs1208172795, ClinGen allele CA354103919.

ClinVar aggregate classification (germline): Uncertain significance (1 of 4 stars; one submission).

Submission:

Ambry Genetics
Classification: Uncertain significance. Last evaluated: 2023-12-31. Review status: criteria provided, single submitter. Criteria: Ambry Variant Classification Scheme 2023. Collection method: clinical testing. Allele origin: germline.
Comment: The p.Q974E variant (also known as c.2920C>G), located in coding exon 16 of the POLQ gene, results from a C to G substitution at nucleotide position 2920. The glutamine at codon 974 is replaced by glutamic acid, an amino acid with highly similar properties. This amino acid position is conserved. In addition, this alteration is predicted to be tolerated by in silico analysis. Since supporting evidence is limited at this time, the clinical significance of this alteration remains unclear.